The following is an entry in ClinVar:

ClinVar aggregate classification (germline): Uncertain significance (1 of 4 stars; one submission).

Conditions:
Glycogen storage disease, type II (IOPD). Also called: POMPE DISEASE, INFANTILE-ONSET; GLYCOGEN STORAGE DISEASE II, INFANTILE-ONSET; ACID ALPHA-GLUCOSIDASE DEFICIENCY, INFANTILE-ONSET; GAA DEFICIENCY, INFANTILE-ONSET; ACID MALTASE DEFICIENCY, INFANTILE-ONSET; GLYCOGENOSIS, GENERALIZED, CARDIAC FORM. Identifiers: Orphanet 365, MedGen C0017921, MONDO:0009290, OMIM 232300.

gnomAD v4.1: 10 of 1,614,010 alleles (0.00062%); highest among the groups gnomAD compares: Non-Finnish European, 0.00085%; no homozygotes.

Submission:

Labcorp Genetics (formerly Invitae), Labcorp
Classification: Uncertain significance for Glycogen storage disease, type II. Last evaluated: 2024-10-30. Review status: criteria provided, single submitter. Criteria: Invitae Variant Classification Sherloc (09022015). Collection method: clinical testing. Allele origin: germline.
Comment: This sequence change replaces valine, which is neutral and non-polar, with leucine, which is neutral and non-polar, at codon 949 of the GAA protein (p.Val949Leu). This variant is not present in population databases (gnomAD no frequency). This variant has not been reported in the literature in individuals affected with GAA-related conditions. Invitae Evidence Modeling of protein sequence and biophysical properties (such as structural, functional, and spatial information, amino acid conservation, physicochemical variation, residue mobility, and thermodynamic stability) indicates that this missense variant is not expected to disrupt GAA protein function with a negative predictive value of 95%. In summary, the available evidence is currently insufficient to determine the role of this variant in disease. Therefore, it has been classified as a Variant of Uncertain Significance.

NM_000152.5(GAA):c.2845G>C (p.Val949Leu)

Gene: GAA (alpha glucosidase; plus strand). Cytogenetic location: 17q25.3.
Variant type: single nucleotide variant.
Coding change: c.2845G>C on transcript NM_000152.5 (MANE Select); coding-DNA position 2845, G replaced by C.
Protein change: p.Val949Leu; replaces valine 949 with leucine.
Molecular consequence: missense variant.
Genome position (GRCh38, 1-based): chr17:80,119,317, G>C. VCF-style: chr17-80119317-G-C. GRCh37 (hg19) VCF-style: chr17-78093116-G-C.
Other names: c.2845G>C, p.Val949Leu (NM_001079803.3, NM_001079804.3, NM_001406741.1 and 1 more transcripts); short protein forms V949L.
Identifiers: ClinVar variation 3715154 (VCV003715154.2).
Genomic context (GRCh38, chr17:80,119,317, plus strand): 5'-CTCTCTCTTTTCCAGGTCCTGGACATCTGTGTCTCGCTGTTGATGGGAGAGCAGTTTCTC[G>C]TCAGCTGGTGTTAGCCGGGCGGAGTGTGTTAGTCTCTCCAGAGGGAGGCTGGTTCCCCAG-3'
Protein context (NP_000143.2, residues 939-952): VSLLMGEQFL[Val949Leu]SWC